The following is an entry in ClinVar:

ClinVar aggregate classification (germline): Uncertain significance. Review status: criteria provided, multiple submitters, no conflicts (2 of 4 stars). 8 submissions from 7 submitters: Uncertain significance (7). 1 of the submissions does not count toward it. Last evaluated 2026-10-15.

Conditions:
Usher syndrome type 2A. Also called: RETINAL DISEASE IN USHER SYNDROME TYPE IIA, MODIFIER OF; USHER SYNDROME, TYPE IIA. Identifiers: Orphanet 231178, Orphanet 886, MedGen C1848634, MONDO:0010169, OMIM 276901.
Retinitis pigmentosa 39 (RP39). Identifiers: Orphanet 791, MedGen C3151138, MONDO:0013436, OMIM 613809.
USH2A-related disorder. Also called: USH2A-related condition; USH2A-related disorders. Identifiers: MedGen CN239332.
Inborn genetic diseases. Identifiers: MedGen C0950123, MeSH D030342.

Allele frequency attached by ClinVar (database versions not stated): gnomAD 0.00007 and 0.00008; gnomAD exomes 0.00001 and 0.00006; TOPMed 0.00017; ExAC 0.00003.
gnomAD v4.1: 31 of 1,613,950 alleles (0.0019%); highest among the groups gnomAD compares: Admixed American, 0.035%; no homozygotes.

Submissions (8):

GeneDx
Classification: Uncertain significance. Last evaluated: 2026-10-15. Review status: criteria provided, single submitter. Criteria: GeneDx Variant Classification Process June 2021. Collection method: clinical testing. Allele origin: germline.
Comment: In silico analysis supports that this missense variant has a deleterious effect on protein structure/function; Has not been previously published as pathogenic or benign to our knowledge

PreventionGenetics, part of Exact Sciences
Classification: Uncertain significance for USH2A-related condition. Last evaluated: 2026-03-31. Review status: criteria provided, single submitter. Criteria: ACMG Guidelines, 2015. Collection method: clinical testing. Allele origin: germline.
Comment: The USH2A c.8096G>A variant is predicted to result in the amino acid substitution p.Arg2699Gln. To our knowledge, this variant has not been reported in the literature. This variant is reported in 0.037% of alleles in individuals of Latino descent in gnomAD. At this time, the clinical significance of this variant is uncertain due to the absence of conclusive functional and genetic evidence.

Ambry Genetics
Classification: Uncertain significance for Inborn genetic diseases. Last evaluated: 2025-03-03. Review status: criteria provided, single submitter. Criteria: Ambry Variant Classification Scheme 2023. Collection method: clinical testing. Allele origin: germline.

Labcorp Genetics (formerly Invitae), Labcorp
Classification: Uncertain significance. Last evaluated: 2024-12-02. Review status: criteria provided, single submitter. Criteria: Invitae Variant Classification Sherloc (09022015). Collection method: clinical testing. Allele origin: germline.
Comment: This sequence change replaces arginine, which is basic and polar, with glutamine, which is neutral and polar, at codon 2699 of the USH2A protein (p.Arg2699Gln). This variant is present in population databases (rs748137104, gnomAD 0.04%). This missense change has been observed in individual(s) with clinical features of USH2A-related conditions (internal data). ClinVar contains an entry for this variant (Variation ID: 834400). Invitae Evidence Modeling of protein sequence and biophysical properties (such as structural, functional, and spatial information, amino acid conservation, physicochemical variation, residue mobility, and thermodynamic stability) has been performed for this missense variant. However, the output from this modeling did not meet the statistical confidence thresholds required to predict the impact of this variant on USH2A protein function. This variant disrupts the p.Arg2699 amino acid residue in USH2A. Other variant(s) that disrupt this residue have been observed in individuals with USH2A-related conditions (PMID: 32188678), which suggests that this may be a clinically significant amino acid residue. In summary, the available evidence is currently insufficient to determine the role of this variant in disease. Therefore, it has been classified as a Variant of Uncertain Significance.

Blueprint Genetics
Classification: Uncertain significance. Last evaluated: 2024-02-22. Review status: criteria provided, single submitter. Criteria: ACMG Guidelines, 2015. Collection method: clinical testing. Allele origin: germline.

Genome-Nilou Lab
Classification: Uncertain significance for Retinitis pigmentosa 39. Last evaluated: 2023-11-04. Review status: criteria provided, single submitter. Criteria: ACMG Guidelines, 2015. Collection method: clinical testing. Allele origin: germline. Affected: no.

Genome-Nilou Lab
Classification: Uncertain significance for Usher syndrome type 2A. Last evaluated: 2023-11-04. Review status: criteria provided, single submitter. Criteria: ACMG Guidelines, 2015. Collection method: clinical testing. Allele origin: germline. Affected: no.

Natera, Inc.
Classification: Uncertain significance for Usher syndrome type 2A. Last evaluated: 2020-03-18. Review status: no assertion criteria provided. Collection method: clinical testing. Allele origin: germline. Not counted in ClinVar's aggregate classification.

Literature cited by the submitters: PubMed 32188678 (cited by Labcorp Genetics (formerly Invitae), Labcorp).

NM_206933.4(USH2A):c.8096G>A (p.Arg2699Gln)

Gene: USH2A (usherin; minus strand). Cytogenetic location: 1q41.
Variant type: single nucleotide variant.
Coding change: c.8096G>A on transcript NM_206933.4 (MANE Select); coding-DNA position 8096, G replaced by A.
Protein change: p.Arg2699Gln; replaces arginine 2699 with glutamine.
Molecular consequence: missense variant.
Genome position (GRCh38, 1-based): chr1:215,888,553, C>T on the plus strand (G>A on the coding strand, the complement: USH2A is on the minus strand). VCF-style: chr1-215888553-C-T. GRCh37 (hg19) VCF-style: chr1-216061895-C-T.
Other names: short protein forms R2699Q.
Identifiers: ClinVar variation 834400 (VCV000834400.15), dbSNP rs748137104, ClinGen allele CA1394686.